The following is an entry in ClinVar:

ClinVar aggregate classification (germline): Uncertain significance (1 of 4 stars; one submission).

Submission:

GeneDx
Classification: Uncertain significance. Last evaluated: 2024-07-13. Review status: criteria provided, single submitter. Criteria: GeneDx Variant Classification Process June 2021. Collection method: clinical testing. Allele origin: germline. Affected: yes.
Comment: Not observed at significant frequency in large population cohorts (gnomAD); In silico analysis supports that this missense variant has a deleterious effect on protein structure/function; Has not been previously published as pathogenic or benign to our knowledge

NM_021096.4(CACNA1I):c.444C>A (p.Asp148Glu)

Gene: CACNA1I (calcium voltage-gated channel subunit alpha1 I; plus strand). Cytogenetic location: 22q13.1.
Variant type: single nucleotide variant.
Coding change: c.444C>A on transcript NM_021096.4 (MANE Select); coding-DNA position 444, C replaced by A.
Protein change: p.Asp148Glu; replaces aspartic acid 148 with glutamic acid.
Molecular consequence: missense variant.
Genome position (GRCh38, 1-based): chr22:39,600,615, C>A. VCF-style: chr22-39600615-C-A. GRCh37 (hg19) VCF-style: chr22-39996620-C-A.
Other names: c.444C>A, p.Asp148Glu (NM_001003406.2); short protein forms D148E.
Identifiers: ClinVar variation 3572458 (VCV003572458.1).
Genomic context (GRCh38, chr22:39,600,615, plus strand): 5'-GGAGATGGTGCTCAAGATGGTGGCCCTGGGGATTTTTGGCAAGAAGTGCTACCTCGGGGA[C>A]ACATGGAACCGCCTGGATTTCTTCATCGTCATGGCAGGGTAGGTAGCGCCCGCCAGGCAG-3'
Protein context (NP_066919.2, residues 138-158): GIFGKKCYLG[Asp148Glu]TWNRLDFFIV